The following is an entry in ClinVar:

NM_015295.3(SMCHD1):c.753A>G (p.Arg251=)

Gene: SMCHD1 (structural maintenance of chromosomes flexible hinge domain containing 1; plus strand). Cytogenetic location: 18p11.32.
Variant type: single nucleotide variant.
Coding change: c.753A>G on transcript NM_015295.3 (MANE Select); coding-DNA position 753, A replaced by G.
Protein change: p.Arg251=; no amino-acid change (arginine 251 retained).
Molecular consequence: synonymous variant.
Genome position (GRCh38, 1-based): chr18:2,688,508, A>G. VCF-style: chr18-2688508-A-G. GRCh37 (hg19) VCF-style: chr18-2688506-A-G.
Identifiers: ClinVar variation 3683138 (VCV003683138.2).

ClinVar aggregate classification (germline): Uncertain significance (1 of 4 stars; one submission).

Conditions:
Facioscapulohumeral muscular dystrophy 2 (FSHD2). Also called: MUSCULAR DYSTROPHY, FACIOSCAPULOHUMERAL, TYPE 1B; FACIOSCAPULOHUMERAL MUSCULAR DYSTROPHY 2, DIGENIC; FSHD2, DIGENIC. Identifiers: Orphanet 269, MedGen C1834671, MONDO:0008031, OMIM 158901.

Submission:

Labcorp Genetics (formerly Invitae), Labcorp
Classification: Uncertain significance for Facioscapulohumeral muscular dystrophy 2. Last evaluated: 2024-07-25. Review status: criteria provided, single submitter. Criteria: Invitae Variant Classification Sherloc (09022015). Collection method: clinical testing. Allele origin: germline.
Comment: This sequence change affects codon 251 of the SMCHD1 mRNA. It is a 'silent' change, meaning that it does not change the encoded amino acid sequence of the SMCHD1 protein. It affects a nucleotide within the consensus splice site. This variant is not present in population databases (gnomAD no frequency). This variant has not been reported in the literature in individuals affected with SMCHD1-related conditions. Algorithms developed to predict the effect of sequence changes on RNA splicing suggest that this variant is not likely to affect RNA splicing. In summary, the available evidence is currently insufficient to determine the role of this variant in disease. Therefore, it has been classified as a Variant of Uncertain Significance.